The following is an entry in ClinVar:

NM_000744.7(CHRNA4):c.359G>A (p.Arg120Gln)

Genes: CHRNA4 (cholinergic receptor nicotinic alpha 4 subunit; minus strand), LOC126863087 (P300/CBP strongly-dependent group 1 enhancer GRCh37_chr20:61986832-61988031; plus strand). Cytogenetic location: 20q13.33.
Variant type: single nucleotide variant.
Coding change: c.359G>A on transcript NM_000744.7 (MANE Select); coding-DNA position 359, G replaced by A.
Protein change: p.Arg120Gln; replaces arginine 120 with glutamine.
Molecular consequence: missense variant. On other transcripts: 5 prime UTR variant (1), non-coding transcript variant (1).
Genome position (GRCh38, 1-based): chr20:63,355,999, C>T on the plus strand (G>A on the coding strand, the complement: CHRNA4 is on the minus strand). VCF-style: chr20-63355999-C-T. GRCh37 (hg19) VCF-style: chr20-61987351-C-T.
Other names: c.359G>A (NM_000744.6); c.-188G>A (NM_001256573.2); short protein forms R120Q.
Identifiers: ClinVar variation 4805764 (VCV004805764.2).
Genomic context (GRCh38, chr20:63,355,999, plus strand): 5'-GCCCTGTAGAGGACTCACTTGTTGTAGAGGACTCACTTGTTGTAGAGGACGATGTCCGGC[C>T]GCCAGATGAGCTCGGAGGGGATGCGGATGGAGGTGACATTCTCATAGTCAGCTGGGTCCC-3'
Protein context (NP_000735.1, residues 110-130): SIRIPSELIW[Arg120Gln]PDIVLYNNAD

ClinVar aggregate classification (germline): Uncertain significance. Review status: criteria provided, multiple submitters, no conflicts (2 of 4 stars). 2 submissions from 2 submitters: Uncertain significance (2). Last evaluated 2025-05-06.

Conditions:
Familial sleep-related hypermotor epilepsy. Also called: Autosomal Dominant Sleep-Related Hypermotor (Hyperkinetic) Epilepsy. Identifiers: Orphanet 98784, MedGen C3696898, MONDO:0000030.
CHRNA4-related disorder. Also called: CHRNA4-related condition.

gnomAD v4.1: 2 of 1,611,718 alleles (0.00012%); highest among the groups gnomAD compares: South Asian, 0.0011%; no homozygotes.

Submissions (2):

PreventionGenetics, part of Exact Sciences
Classification: Uncertain significance for CHRNA4-related condition. Last evaluated: 2025-05-06. Review status: criteria provided, single submitter. Criteria: ACMG Guidelines, 2015. Collection method: clinical testing. Allele origin: germline.
Comment: The CHRNA4 c.359G>A variant is predicted to result in the amino acid substitution p.Arg120Gln. To our knowledge, this variant has not been reported in the literature. This variant is reported in 0.0033% of alleles in individuals of South Asian descent in gnomAD. At this time, the clinical significance of this variant is uncertain due to the absence of conclusive functional and genetic evidence.

Labcorp Genetics (formerly Invitae), Labcorp
Classification: Uncertain significance. Last evaluated: 2025-03-30. Review status: criteria provided, single submitter. Criteria: Invitae Variant Classification Sherloc (09022015). Collection method: clinical testing. Allele origin: germline.
Comment: This sequence change replaces arginine, which is basic and polar, with glutamine, which is neutral and polar, at codon 120 of the CHRNA4 protein (p.Arg120Gln). This variant is present in population databases (rs754312855, gnomAD 0.003%). This variant has not been reported in the literature in individuals affected with CHRNA4-related conditions. Invitae Evidence Modeling of protein sequence and biophysical properties (such as structural, functional, and spatial information, amino acid conservation, physicochemical variation, residue mobility, and thermodynamic stability) indicates that this missense variant is not expected to disrupt CHRNA4 protein function with a negative predictive value of 80%. In summary, the available evidence is currently insufficient to determine the role of this variant in disease. Therefore, it has been classified as a Variant of Uncertain Significance.